The following is an entry in ClinVar:

ClinVar aggregate classification (germline): Benign. Review status: criteria provided, multiple submitters, no conflicts (2 of 4 stars). 2 submissions from 2 submitters: Benign (2). Last evaluated 2018-06-14.

Allele frequency attached by ClinVar (database versions not stated): gnomAD 0.43488 and 0.44298; TOPMed 0.47113; 1000 Genomes Project 0.65495; 1000 Genomes Project 30x 0.65725.
gnomAD v4.1: 67,212 of 152,082 alleles (44%); highest among the groups gnomAD compares: East Asian, 97%; 19,026 homozygotes.

Submissions (2):

GeneDx
Classification: Benign. Last evaluated: 2018-06-14. Review status: criteria provided, single submitter. Criteria: GeneDx Variant Classification (06012015). Collection method: clinical testing. Allele origin: germline. Affected: yes.
Comment: This variant is considered likely benign or benign based on one or more of the following criteria: it is a conservative change, it occurs at a poorly conserved position in the protein, it is predicted to be benign by multiple in silico algorithms, and/or has population frequency not consistent with disease.

Breakthrough Genomics
Classification: Benign. Review status: criteria provided, single submitter. Criteria: ACMG Guidelines, 2015. Collection method: not provided. Allele origin: germline. Inheritance: Autosomal recessive inheritance. Affected: yes.

NM_001457.4(FLNB):c.4390+740T>G

Gene: FLNB (filamin B; plus strand). Cytogenetic location: 3p14.3.
Variant type: single nucleotide variant.
Coding change: c.4390+740T>G on transcript NM_001457.4 (MANE Select); 740 bases into the intron after coding-DNA position 4390, T replaced by G.
Molecular consequence: intron variant.
Genome position (GRCh38, 1-based): chr3:58,131,648, T>G. VCF-style: chr3-58131648-T-G. GRCh37 (hg19) VCF-style: chr3-58117375-T-G.
Other names: c.4391-279T>G (NM_001164317.2); c.4390+740T>G (NM_001164318.2, NM_001164319.2).
Identifiers: ClinVar variation 683109 (VCV000683109.2), dbSNP rs4254629, ClinGen allele CA11444286.